The following is an entry in ClinVar:

ClinVar aggregate classification (germline): Uncertain significance. Review status: criteria provided, multiple submitters, no conflicts (2 of 4 stars). 2 submissions from 2 submitters: Uncertain significance (2). Last evaluated 2025-09-26.

Conditions:
Epilepsy, progressive myoclonic, 1B. Also called: PME. Identifiers: Orphanet 308, MedGen C2676254, MONDO:0012904, OMIM 612437.

Allele frequency attached by ClinVar (database versions not stated): TOPMed below 0.00001; gnomAD exomes below 0.00001; gnomAD 0.00001.
gnomAD v4.1: 3 of 1,614,008 alleles (0.00019%); highest among the groups gnomAD compares: East Asian, 0.0022%; no homozygotes.

Submissions (2):

Ambry Genetics
Classification: Uncertain significance. Last evaluated: 2025-09-26. Review status: criteria provided, single submitter. Criteria: Ambry Variant Classification Scheme 2023. Collection method: clinical testing. Allele origin: germline.

Labcorp Genetics (formerly Invitae), Labcorp
Classification: Uncertain significance for Epilepsy, progressive myoclonic, 1B. Last evaluated: 2021-11-26. Review status: criteria provided, single submitter. Criteria: Invitae Variant Classification Sherloc (09022015). Collection method: clinical testing. Allele origin: germline.
Comment: This sequence change replaces aspartic acid, which is acidic and polar, with glycine, which is neutral and non-polar, at codon 707 of the PRICKLE1 protein (p.Asp707Gly). This variant is not present in population databases (gnomAD no frequency). This variant has not been reported in the literature in individuals affected with PRICKLE1-related conditions. Algorithms developed to predict the effect of missense changes on protein structure and function output the following: SIFT: "Tolerated"; PolyPhen-2: "Benign"; Align-GVGD: "Class C0". The glycine amino acid residue is found in multiple mammalian species, which suggests that this missense change does not adversely affect protein function. Algorithms developed to predict the effect of sequence changes on RNA splicing suggest that this variant may create or strengthen a splice site. In summary, the available evidence is currently insufficient to determine the role of this variant in disease. Therefore, it has been classified as a Variant of Uncertain Significance.

NM_153026.3(PRICKLE1):c.2120A>G (p.Asp707Gly)

Gene: PRICKLE1 (prickle planar cell polarity protein 1; minus strand). Cytogenetic location: 12q12.
Variant type: single nucleotide variant.
Coding change: c.2120A>G on transcript NM_153026.3 (MANE Select); coding-DNA position 2120, A replaced by G.
Protein change: p.Asp707Gly; replaces aspartic acid 707 with glycine.
Molecular consequence: missense variant.
Genome position (GRCh38, 1-based): chr12:42,460,185, T>C on the plus strand (A>G on the coding strand, the complement: PRICKLE1 is on the minus strand). VCF-style: chr12-42460185-T-C. GRCh37 (hg19) VCF-style: chr12-42853987-T-C.
Other names: c.2120A>G (NM_153026.2); c.2120A>G, p.Asp707Gly (NM_001144881.2, NM_001144882.2, NM_001144883.2); short protein forms D707G.
Identifiers: ClinVar variation 1427550 (VCV001427550.4), dbSNP rs1937758569, ClinGen allele CA384440169.